The following is an entry in ClinVar:

ClinVar aggregate classification (germline): Likely benign. Review status: criteria provided, single submitter (1 of 4 stars). 2 submissions from 2 submitters: Likely benign (1). 1 of the submissions does not count toward it. Last evaluated 2025-08-13.

Conditions:
COL7A1-related disorder. Also called: COL7A1-related condition; COL7A1- related disorders.

Allele frequency attached by ClinVar (database versions not stated): ExAC 0.00002; gnomAD 0.00002 and 0.00003; TOPMed 0.00002.

Submissions (2):

Labcorp Genetics (formerly Invitae), Labcorp
Classification: Likely benign. Last evaluated: 2025-08-13. Review status: criteria provided, single submitter. Criteria: Invitae Variant Classification Sherloc (09022015). Collection method: clinical testing. Allele origin: germline.

PreventionGenetics, part of Exact Sciences
Classification: Likely benign for COL7A1-related condition. Last evaluated: 2019-08-01. Review status: no assertion criteria provided. Collection method: clinical testing. Allele origin: germline. Not counted in ClinVar's aggregate classification.
Comment: This variant is classified as likely benign based on ACMG/AMP sequence variant interpretation guidelines (Richards et al. 2015 PMID: 25741868, with internal and published modifications).

NM_000094.4(COL7A1):c.8016C>A (p.Ala2672=)

Gene: COL7A1 (collagen type VII alpha 1 chain; minus strand). Cytogenetic location: 3p21.31.
Variant type: single nucleotide variant.
Coding change: c.8016C>A on transcript NM_000094.4 (MANE Select); coding-DNA position 8016, C replaced by A.
Protein change: p.Ala2672=; no amino-acid change (alanine 2672 retained).
Molecular consequence: synonymous variant.
Genome position (GRCh38, 1-based): chr3:48,567,604, G>T on the plus strand (C>A on the coding strand, the complement: COL7A1 is on the minus strand). VCF-style: chr3-48567604-G-T. GRCh37 (hg19) VCF-style: chr3-48605037-G-T.
Other names: c.8016C>A (NM_000094.3).
Identifiers: ClinVar variation 1108945 (VCV001108945.9), dbSNP rs748676695, ClinGen allele CA2378197.